The following is an entry in ClinVar:

NM_001110556.2(FLNA):c.5251C>T (p.Pro1751Ser)

Gene: FLNA (filamin A; minus strand). Cytogenetic location: Xq28.
Variant type: single nucleotide variant.
Coding change: c.5251C>T on transcript NM_001110556.2 (MANE Select); coding-DNA position 5251, C replaced by T.
Protein change: p.Pro1751Ser; replaces proline 1751 with serine.
Molecular consequence: missense variant.
Genome position (GRCh38, 1-based): chrX:154,354,678, G>A on the plus strand (C>T on the coding strand, the complement: FLNA is on the minus strand). VCF-style: chrX-154354678-G-A. GRCh37 (hg19) VCF-style: chrX-153583046-G-A.
Other names: p.P1743S:CCT>TCT; p.Pro1743Ser; c.5227C>T, p.Pro1743Ser (NM_001456.4); short protein forms P1743S, P1751S.
Identifiers: ClinVar variation 213451 (VCV000213451.87), dbSNP rs56102764, ClinGen allele CA320471.

ClinVar aggregate classification (germline): Conflicting classifications of pathogenicity. Review status: criteria provided, conflicting classifications (1 of 4 stars). 18 submissions from 18 submitters: Uncertain significance (1); Benign (6); Likely benign (7). 4 of the submissions do not count toward it. Last evaluated 2026-02-03.

Conditions:
Melnick-Needles syndrome (MNS). Also called: MELNICK-NEEDLES OSTEODYSPLASTY; Melnick-Needles Syndrome (FLNA-MNS); OSTEODYSPLASTY OF MELNICK AND NEEDLES. Identifiers: Orphanet 2484, MedGen C0025237, MONDO:0010650, OMIM 309350.
Heterotopia, periventricular, X-linked dominant (PVNH1). Also called: PERIVENTRICULAR NODULAR HETEROTOPIA 4; HETEROTOPIA, PERIVENTRICULAR, 1; X-linked periventricular heterotopia; PERIVENTRICULAR NODULAR HETEROTOPIA 1. Identifiers: Orphanet 2149, Orphanet 82004, MedGen C1848213, MONDO:0010233, OMIM 300049.
Oto-palato-digital syndrome, type II (OPD2). Also called: FACIOPALATOOSSEOUS SYNDROME; Otopalatodigital Syndrome, Type II; Otopalatodigital Syndrome Type 2 (FLNA-OPD2); OPD II SYNDROME. Identifiers: Orphanet 669, Orphanet 90652, MedGen C1844696, MONDO:0010571, OMIM 304120.
Frontometaphyseal dysplasia (FMD1). Identifiers: Orphanet 1826, MedGen C0265293, MONDO:0015942.
Connective tissue disorder. Also called: Connective tissue disease. Identifiers: MedGen C0009782, MONDO:0003900.
Familial thoracic aortic aneurysm and aortic dissection (TAAD). Also called: Thoracic aortic aneurysms and dissections. Identifiers: Orphanet 91387, MedGen C4707243, MONDO:0019625.

Allele frequency attached by ClinVar (database versions not stated): 1000 Genomes Project 0.00026; 1000 Genomes Project 30x 0.00042; ESP Exome Variant Server 0.00061; TOPMed 0.00066; gnomAD 0.00069 and 0.00072; gnomAD exomes 0.00074 and 0.00075; ExAC 0.00101.
gnomAD v4.1: 926 of 1,206,829 alleles (0.077%); highest among the groups gnomAD compares: Middle Eastern, 1.1%; 1 homozygote.

Submissions (18):

Labcorp Genetics (formerly Invitae), Labcorp
Classification: Likely benign for Oto-palato-digital syndrome, type II; Heterotopia, periventricular, X-linked dominant; Frontometaphyseal dysplasia; Melnick-Needles syndrome. Last evaluated: 2026-02-03. Review status: criteria provided, single submitter. Criteria: Invitae Variant Classification Sherloc (09022015). Collection method: clinical testing. Allele origin: germline.

Women's Health and Genetics/Laboratory Corporation of America, LabCorp
Classification: Likely benign. Last evaluated: 2026-01-12. Review status: criteria provided, single submitter. Criteria: LabCorp Variant Classification Summary - May 2015. Collection method: clinical testing. Allele origin: germline.
Comment: Variant summary: FLNA c.5251C>T (p.Pro1751Ser) results in a non-conservative amino acid change in the encoded protein sequence. Algorithms developed to predict the effect of missense changes on protein structure and function are either unavailable or do not agree on the potential impact of this missense change. The variant allele was found at a frequency of 0.00074 in 166980 control chromosomes, predominantly at a frequency of 0.001 within the Non-Finnish European subpopulation in the gnomAD database, including 1 homozygote. The observed variant frequency within Non-Finnish European control individuals in the gnomAD database exceeds the estimated maximal expected allele frequency for disease-causing variants in FLNA. To our knowledge, no occurrence of c.5251C>T in individuals affected with FLNA-related conditions and no experimental evidence demonstrating its impact on protein function have been reported. ClinVar contains an entry for this variant (Variation ID: 213451). Based on the evidence outlined above, the variant was classified as likely benign.

Molecular Diagnostic Laboratory for Inherited Cardiovascular Disease, Montreal Heart Institute
Classification: Likely benign. Last evaluated: 2025-04-09. Review status: criteria provided, single submitter. Criteria: ACMG Guidelines, 2015. Collection method: clinical testing. Allele origin: germline. Affected: no.
Comment: BS1;BP4

Blueprint Genetics
Classification: Likely benign. Last evaluated: 2024-11-22. Review status: criteria provided, single submitter. Criteria: ACMG Guidelines, 2015. Collection method: clinical testing. Allele origin: germline.

ARUP Laboratories, Molecular Genetics and Genomics, ARUP Laboratories
Classification: Benign. Last evaluated: 2024-10-31. Review status: criteria provided, single submitter. Criteria: ARUP Molecular Germline Variant Investigation Process 2024. Collection method: clinical testing. Allele origin: germline.

Mayo Clinic Laboratories, Mayo Clinic
Classification: Benign. Last evaluated: 2024-07-03. Review status: criteria provided, single submitter. Criteria: ACMG Guidelines, 2015. Collection method: clinical testing. Allele origin: germline. Observed: 22 variant alleles.
Comment: BS1, BS2

Athena Diagnostics
Classification: Benign. Last evaluated: 2020-08-27. Review status: criteria provided, single submitter. Criteria: Athena Diagnostics criteria. Collection method: clinical testing. Allele origin: unknown.

GeneDx
Classification: Benign. Last evaluated: 2019-05-22. Review status: criteria provided, single submitter. Criteria: GeneDx Variant Classification Process June 2021. Collection method: clinical testing. Allele origin: germline. Affected: yes.

Center for Human Genetics, Inc
Classification: Likely benign for Connective tissue disorder. Last evaluated: 2018-06-01. Review status: criteria provided, single submitter. Criteria: ACMG Guidelines, 2015. Collection method: clinical testing. Allele origin: germline. Affected: yes.

Ambry Genetics
Classification: Likely benign for Familial thoracic aortic aneurysm and aortic dissection. Last evaluated: 2018-01-03. Review status: criteria provided, single submitter. Criteria: Ambry Variant Classification Scheme 2023. Collection method: clinical testing. Allele origin: germline.

Eurofins Ntd Llc (ga)
Classification: Benign. Last evaluated: 2016-09-22. Review status: criteria provided, single submitter. Criteria: EGL Classification Definitions 2015. Collection method: clinical testing. Allele origin: germline. Observed: 1 variant allele, 1 hemizygote.

CeGaT Center for Human Genetics Tuebingen
Classification: Uncertain significance. Last evaluated: 2016-05-01. Review status: criteria provided, single submitter. Criteria: CeGaT Center For Human Genetics Tuebingen Variant Classification Criteria Version 2. Collection method: clinical testing. Allele origin: germline. Affected: yes. Observed: 1 variant allele.

Genetic Services Laboratory, University of Chicago
Classification: Likely benign. Last evaluated: 2016-03-23. Review status: criteria provided, single submitter. Criteria: ACMG Guidelines, 2015. Collection method: clinical testing. Allele origin: germline. Affected: no.

Genomic Diagnostic Laboratory, Division of Genomic Diagnostics, Children's Hospital of Philadelphia
Classification: Benign. Last evaluated: 2015-10-20. Review status: criteria provided, single submitter. Criteria: DGD Variant Analysis Guidelines. Collection method: clinical testing. Allele origin: unknown.

Clinical Genetics DNA and cytogenetics Diagnostics Lab, Erasmus MC, Erasmus Medical Center
Classification: Likely benign. Review status: no assertion criteria provided. Collection method: clinical testing. Allele origin: germline. Affected: yes. Study: VKGL Data-share Consensus. Not counted in ClinVar's aggregate classification.

Diagnostic Laboratory, Department of Genetics, University Medical Center Groningen
Classification: Likely benign. Review status: no assertion criteria provided. Collection method: clinical testing. Allele origin: germline. Affected: yes. Study: VKGL Data-share Consensus. Not counted in ClinVar's aggregate classification.

Genome Diagnostics Laboratory, University Medical Center Utrecht
Classification: Likely benign. Review status: no assertion criteria provided. Collection method: clinical testing. Allele origin: germline. Affected: yes. Study: VKGL Data-share Consensus. Not counted in ClinVar's aggregate classification.

Laboratory of Diagnostic Genome Analysis, Leiden University Medical Center (LUMC)
Classification: Likely benign. Review status: no assertion criteria provided. Collection method: clinical testing. Allele origin: germline. Affected: yes. Study: VKGL Data-share Consensus. Not counted in ClinVar's aggregate classification.